The following is an entry in ClinVar:

NM_018480.7(TMEM126B):c.77_81del (p.Pro26fs)

Genes: TMEM126B (transmembrane protein 126B; plus strand), LOC130006548 (ATAC-STARR-seq lymphoblastoid active region 5364; plus strand). Cytogenetic location: 11q14.1.
Variant type: Deletion.
Coding change: c.77_81del on transcript NM_018480.7 (MANE Select); coding-DNA positions 77 to 81, 5 bases deleted (CCAAG; older notation c.77_81delCCAAG).
Protein change: p.Pro26fs; shifts the reading frame from proline 26.
Molecular consequence: frameshift variant. On other transcripts: 5 prime UTR variant (5), non-coding transcript variant (2).
Genome position (GRCh38, 1-based): chr11:85,628,684-85,628,688, CCAAG deleted. VCF-style (leftmost placement, unchanged base first): chr11-85628683-CCCAAG-C. GRCh37 (hg19) VCF-style: chr11-85339727-CCCAAG-C.
Other names: c.-115_-111delCCAAG (NM_001193537.3, NM_001350395.2); c.-186_-182del (NM_001193538.3, NM_001350396.2); c.-86_-82delCCAAG (NM_001256546.2); c.61_65del, p.Pro21fs (NM_001256547.2); c.77_81del, p.Pro26fs (NM_001350393.1, NM_001350394.2); short protein forms P21fs, P26fs.
Identifiers: ClinVar variation 2072804 (VCV002072804.4), dbSNP rs1461031913, ClinGen allele CA600720304.

ClinVar aggregate classification (germline): Pathogenic (1 of 4 stars; one submission).

Allele frequency attached by ClinVar (database versions not stated): gnomAD exomes below 0.00001.

Submission:

Labcorp Genetics (formerly Invitae), Labcorp
Classification: Pathogenic. Last evaluated: 2022-11-08. Review status: criteria provided, single submitter. Criteria: Invitae Variant Classification Sherloc (09022015). Collection method: clinical testing. Allele origin: germline.
Comment: Algorithms developed to predict the effect of sequence changes on RNA splicing suggest that this variant may disrupt the consensus splice site. For these reasons, this variant has been classified as Pathogenic. This variant has not been reported in the literature in individuals affected with TMEM126B-related conditions. This variant is present in population databases (no rsID available, gnomAD 0.002%). This sequence change creates a premature translational stop signal (p.Pro26Argfs*35) in the TMEM126B gene. It is expected to result in an absent or disrupted protein product. Loss-of-function variants in TMEM126B are known to be pathogenic (PMID: 27374774).

Literature cited by the submitters: PubMed 27374774.